The following is an entry in ClinVar:

ClinVar aggregate classification (germline): Uncertain significance (1 of 4 stars; one submission).

Submission:

GeneDx
Classification: Uncertain significance. Last evaluated: 2022-02-22. Review status: criteria provided, single submitter. Criteria: GeneDx Variant Classification Process June 2021. Collection method: clinical testing. Allele origin: germline. Affected: yes.
Comment: Not observed at significant frequency in large population cohorts (gnomAD); In silico analysis supports that this missense variant has a deleterious effect on protein structure/function; Has not been previously published as pathogenic or benign to our knowledge

NM_001009944.3(PKD1):c.4843A>G (p.Asn1615Asp)

Gene: PKD1 (polycystin 1, transient receptor potential channel interacting; minus strand). Cytogenetic location: 16p13.3.
Variant type: single nucleotide variant.
Coding change: c.4843A>G on transcript NM_001009944.3 (MANE Select); coding-DNA position 4843, A replaced by G.
Protein change: p.Asn1615Asp; replaces asparagine 1615 with aspartic acid.
Molecular consequence: missense variant.
Genome position (GRCh38, 1-based): chr16:2,110,324, T>C on the plus strand (A>G on the coding strand, the complement: PKD1 is on the minus strand). VCF-style: chr16-2110324-T-C. GRCh37 (hg19) VCF-style: chr16-2160325-T-C.
Other names: c.4843A>G, p.Asn1615Asp (NM_000296.4); short protein forms N1615D.
Identifiers: ClinVar variation 1702732 (VCV001702732.2), dbSNP rs2151796056, ClinGen allele CA394379149.